The following is an entry in ClinVar:

NM_001205254.2(OCLN):c.1324G>T (p.Glu442Ter)

Gene: OCLN (occludin; plus strand). Cytogenetic location: 5q13.2.
Variant type: single nucleotide variant.
Coding change: c.1324G>T on transcript NM_001205254.2 (MANE Select); coding-DNA position 1324, G replaced by T.
Protein change: p.Glu442Ter; replaces glutamic acid 442 with a stop codon.
Molecular consequence: nonsense.
Genome position (GRCh38, 1-based): chr5:69,548,000, G>T. VCF-style: chr5-69548000-G-T. GRCh37 (hg19) VCF-style: chr5-68843827-G-T.
Other names: c.571G>T, p.Glu191Ter (NM_001205255.2); c.1162G>T, p.Glu388Ter (NM_001410743.1); c.1324G>T, p.Glu442Ter (NM_002538.4); short protein forms E191*, E442*, E388*.
Identifiers: ClinVar variation 1526118 (VCV001526118.1), dbSNP rs759507153, ClinGen allele CA3294617.

ClinVar aggregate classification (germline): Pathogenic (1 of 4 stars; one submission).

Conditions:
Pseudo-TORCH syndrome 1 (PTORCH1). Identifiers: Orphanet 1229, MedGen C4552078, MONDO:0020789, OMIM 251290.

Allele frequency attached by ClinVar (database versions not stated): gnomAD exomes 0.00001.

Submission:

3billion
Classification: Pathogenic for Pseudo-TORCH syndrome 1. Last evaluated: 2022-03-22. Review status: criteria provided, single submitter. Criteria: ACMG Guidelines, 2015. Collection method: clinical testing. Allele origin: germline. Affected: yes. Observed: 1 homozygote.
Comment: Stop-gained (nonsense): predicted to result in a loss or disruption of normal protein function through nonsense-mediated decay (NMD) or protein truncation. Multiple pathogenic variants are reported downstream of the variant. This variant has been reported as pathogenic (3billion dataset). The variant is observed at an extremely low frequency in the gnomAD v2.1.1 dataset (total allele frequency:0.0000124). Therefore, this variant is classified as pathogenic according to the recommendation of ACMG/AMP guideline.